The following is an entry in ClinVar:

NM_000059.4(BRCA2):c.7556C>G (p.Pro2519Arg)

Gene: BRCA2 (BRCA2 DNA repair associated; plus strand). Cytogenetic location: 13q13.1.
Variant type: single nucleotide variant.
Coding change: c.7556C>G on transcript NM_000059.4 (MANE Select); coding-DNA position 7556, C replaced by G.
Protein change: p.Pro2519Arg; replaces proline 2519 with arginine.
Molecular consequence: missense variant.
Genome position (GRCh38, 1-based): chr13:32,356,548, C>G. VCF-style: chr13-32356548-C-G. GRCh37 (hg19) VCF-style: chr13-32930685-C-G.
Other names: c.7460C>G, p.Pro2487Arg (NM_001406719.1); c.7556C>G, p.Pro2519Arg (NM_001406720.1); c.2624C>G, p.Pro875Arg (NM_001406721.1); c.1139C>G, p.Pro380Arg (NM_001406722.1); short protein forms P380R, P875R, P2519R, P2487R.
Identifiers: ClinVar variation 1759499 (VCV001759499.4), dbSNP rs545454796, ClinGen allele CA387743713.

ClinVar aggregate classification (germline): Conflicting classifications of pathogenicity. Review status: criteria provided, conflicting classifications (1 of 4 stars). 2 submissions from 2 submitters: Uncertain significance (1); Likely benign (1). Last evaluated 2025-09-05.

Conditions:
Hereditary cancer-predisposing syndrome. Also called: Neoplastic Syndromes, Hereditary; Tumor predisposition; Hereditary Cancer Syndrome; Hereditary neoplastic syndrome. Identifiers: Orphanet 140162, MedGen C0027672, MeSH D009386, MONDO:0015356.

Allele frequency attached by ClinVar (database versions not stated): gnomAD exomes below 0.00001.
gnomAD v4.1: 1 of 1,614,214 alleles (0.000062%); highest among the groups gnomAD compares: Non-Finnish European, 0.000085%; no homozygotes.

Submissions (2):

Color Diagnostics, LLC DBA Color Health
Classification: Uncertain significance for Hereditary cancer-predisposing syndrome. Last evaluated: 2025-09-05. Review status: criteria provided, single submitter. Criteria: ACMG Guidelines, 2015. Collection method: clinical testing. Allele origin: germline.
Comment: This missense variant replaces proline with arginine at codon 2519 of the BRCA2 protein. Computational prediction suggests that this variant may not impact protein structure and function. Functional studies have reported that this variant does not impact BRCA2 in a haploid cell proliferation assay and in sensitivity assays to cisplatin and PARP inhibitor (PMID: 39779848, 39779857). To our knowledge, this variant has not been reported in individuals affected with BRCA2-related disorders in the literature. This variant has not been identified in the general population by the Genome Aggregation Database (gnomAD). Although there is a suspicion that this variant may be associated with disease, additional studies are necessary to determine the role of this variant in disease conclusively. Therefore, this variant is classified as a Variant of Uncertain Significance.

Ambry Genetics
Classification: Likely benign for Hereditary cancer-predisposing syndrome. Last evaluated: 2025-04-25. Review status: criteria provided, single submitter. Criteria: Ambry Variant Classification Scheme 2023. Collection method: clinical testing. Allele origin: germline.

Literature cited by the submitters: PubMed 39779848 (cited by Color Diagnostics, LLC DBA Color Health); PubMed 39779857 (cited by Color Diagnostics, LLC DBA Color Health).